The following is an entry in ClinVar:

NM_020779.4(WDR35):c.3180A>G (p.Leu1060=)

Gene: WDR35 (WD repeat domain 35; minus strand). Cytogenetic location: 2p24.1.
Variant type: single nucleotide variant.
Coding change: c.3180A>G on transcript NM_020779.4 (MANE Select); coding-DNA position 3180, A replaced by G.
Protein change: p.Leu1060=; no amino-acid change (leucine 1060 retained).
Molecular consequence: synonymous variant.
Genome position (GRCh38, 1-based): chr2:19,914,219, T>C on the plus strand (A>G on the coding strand, the complement: WDR35 is on the minus strand). VCF-style: chr2-19914219-T-C. GRCh37 (hg19) VCF-style: chr2-20113980-T-C.
Other names: c.3213A>G, p.Leu1071= (NM_001006657.2).
Identifiers: ClinVar variation 5039719 (VCV005039719.1).

ClinVar aggregate classification (germline): Likely benign (1 of 4 stars; one submission).

gnomAD v4.1: 2 of 1,614,174 alleles (0.00012%); highest among the groups gnomAD compares: Non-Finnish European, 0.00017%; no homozygotes.

Submission:

CeGaT Center for Human Genetics Tuebingen
Classification: Likely benign. Last evaluated: 2026-07-01. Review status: criteria provided, single submitter. Criteria: CeGaT Center For Human Genetics Tuebingen Variant Classification Criteria Version 2. Collection method: clinical testing. Allele origin: germline. Affected: yes. Observed: 1 variant allele.
Comment: WDR35: BP4, BP7